The following is an entry in ClinVar:

ClinVar aggregate classification (germline): Uncertain significance (1 of 4 stars; one submission).

Allele frequency attached by ClinVar (database versions not stated): ExAC 0.00002; TOPMed 0.00005; gnomAD 0.00005.
gnomAD v4.1: 35 of 1,613,946 alleles (0.0022%); highest among the groups gnomAD compares: East Asian, 0.0067%; no homozygotes.

Submission:

Labcorp Genetics (formerly Invitae), Labcorp
Classification: Uncertain significance. Last evaluated: 2025-05-20. Review status: criteria provided, single submitter. Criteria: Invitae Variant Classification Sherloc (09022015). Collection method: clinical testing. Allele origin: germline.
Comment: This sequence change replaces arginine, which is basic and polar, with histidine, which is basic and polar, at codon 158 of the MMP14 protein (p.Arg158His). This variant is present in population databases (rs768295586, gnomAD 0.01%). This variant has not been reported in the literature in individuals affected with MMP14-related conditions. ClinVar contains an entry for this variant (Variation ID: 2997985). Invitae Evidence Modeling of protein sequence and biophysical properties (such as structural, functional, and spatial information, amino acid conservation, physicochemical variation, residue mobility, and thermodynamic stability) indicates that this missense variant is not expected to disrupt MMP14 protein function with a negative predictive value of 80%. In summary, the available evidence is currently insufficient to determine the role of this variant in disease. Therefore, it has been classified as a Variant of Uncertain Significance.

NM_004995.4(MMP14):c.473G>A (p.Arg158His)

Gene: MMP14 (matrix metallopeptidase 14; plus strand). Cytogenetic location: 14q11.2.
Variant type: single nucleotide variant.
Coding change: c.473G>A on transcript NM_004995.4 (MANE Select); coding-DNA position 473, G replaced by A.
Protein change: p.Arg158His; replaces arginine 158 with histidine.
Molecular consequence: missense variant.
Genome position (GRCh38, 1-based): chr14:22,842,502, G>A. VCF-style: chr14-22842502-G-A. GRCh37 (hg19) VCF-style: chr14-23311711-G-A.
Other names: short protein forms R158H.
Identifiers: ClinVar variation 2997985 (VCV002997985.3), dbSNP rs768295586, ClinGen allele CA7105184.